The following is an entry in ClinVar:

ClinVar aggregate classification (germline): Benign. Review status: criteria provided, multiple submitters, no conflicts (2 of 4 stars). 6 submissions from 6 submitters: Benign (6). Last evaluated 2026-02-01.

Allele frequency attached by ClinVar (database versions not stated): 1000 Genomes Project 0.00919; 1000 Genomes Project 30x 0.00984; gnomAD 0.01185 and 0.01201; TOPMed 0.01195; ESP Exome Variant Server 0.01319; gnomAD exomes 0.01428 and 0.01638; ExAC 0.01529.

Submissions (6):

Labcorp Genetics (formerly Invitae), Labcorp
Classification: Benign. Last evaluated: 2026-02-01. Review status: criteria provided, single submitter. Criteria: Invitae Variant Classification Sherloc (09022015). Collection method: clinical testing. Allele origin: germline.

ARUP Laboratories, Molecular Genetics and Genomics, ARUP Laboratories
Classification: Benign. Last evaluated: 2023-10-03. Review status: criteria provided, single submitter. Criteria: ARUP Molecular Germline Variant Investigation Process 2024. Collection method: clinical testing. Allele origin: germline.

Athena Diagnostics
Classification: Benign. Last evaluated: 2018-08-31. Review status: criteria provided, single submitter. Criteria: Athena Diagnostics Criteria. Collection method: clinical testing. Allele origin: germline.

GeneDx
Classification: Benign. Last evaluated: 2017-11-30. Review status: criteria provided, single submitter. Criteria: GeneDx Variant Classification (06012015). Collection method: clinical testing. Allele origin: germline. Affected: yes.
Comment: This variant is considered likely benign or benign based on one or more of the following criteria: it is a conservative change, it occurs at a poorly conserved position in the protein, it is predicted to be benign by multiple in silico algorithms, and/or has population frequency not consistent with disease.

Laboratory for Molecular Medicine, Mass General Brigham Personalized Medicine
Classification: Benign. Last evaluated: 2015-05-07. Review status: criteria provided, single submitter. Criteria: LMM Criteria. Collection method: clinical testing. Allele origin: germline. Observed: 36 variant alleles.
Comment: p.X426X in exon 7 of CEACAM16: This variant is not expected to have clinical sig nificance because it does not alter an amino acid residue and is not located wit hin the splice consensus sequence. It has been identified in 2.0% (1379/67626) o f European chromosomes by the Exome Aggregation Consortium (ExAC; dbSNP rs146757817).

Breakthrough Genomics
Classification: Benign. Review status: criteria provided, single submitter. Criteria: ACMG Guidelines, 2015. Collection method: not provided. Allele origin: germline. Inheritance: Autosomal recessive inheritance. Affected: yes.

NM_001039213.4(CEACAM16):c.1278A>G (p.Ter426=)

Genes: CEACAM16 (CEA cell adhesion molecule 16, tectorial membrane component; plus strand), CEACAM16-AS1 (CEACAM16, CEACAM19 and PVR antisense RNA 1; minus strand). Cytogenetic location: 19q13.32.
Variant type: single nucleotide variant.
Coding change: c.1278A>G on transcript NM_001039213.4 (MANE Select); coding-DNA position 1278, A replaced by G.
Protein change: p.Ter426=.
Molecular consequence: synonymous variant.
Genome position (GRCh38, 1-based): chr19:44,710,506, A>G. VCF-style: chr19-44710506-A-G. GRCh37 (hg19) VCF-style: chr19-45213778-A-G.
Identifiers: ClinVar variation 226505 (VCV000226505.15), dbSNP rs146757817, ClinGen allele CA9503287.
Genomic context (GRCh38, chr19:44,710,506, plus strand): 5'-TCCATCTCTCTGACATCCTCCTTCGCCCCCTCGCCCCATATGCCCCACAGCCCTGGGGTA[A>G]CAGCGTGACCCTGGAGACGTCCAGAGAGAAGAGCTCTTCGCACCATCCTCTGGTCCTCGC-3'